The following is an entry in ClinVar:

ClinVar aggregate classification (germline): Uncertain significance. Review status: criteria provided, multiple submitters, no conflicts (2 of 4 stars). 2 submissions from 2 submitters: Uncertain significance (2). Last evaluated 2024-07-14.

Conditions:
Emery-Dreifuss muscular dystrophy 4, autosomal dominant (EDMD4). Also called: EMERY-DREIFUSS MUSCULAR DYSTROPHY 4 WITH VARIABLE FEATURES. Identifiers: Orphanet 261, MedGen C2751807, MONDO:0013071, OMIM 612998.
Autosomal recessive ataxia, Beauce type. Also called: Spinocerebellar ataxia, autosomal recessive 8; ATAXIA, RECESSIVE, OF BEAUCE; SYNE1 Deficiency; SYNE1-Related Autosomal Recessive Cerebellar Ataxia. Identifiers: Orphanet 88644, MedGen C1853116, MONDO:0012549, OMIM 610743.

Allele frequency attached by ClinVar (database versions not stated): gnomAD exomes below 0.00001.
gnomAD v4.1: 2 of 1,613,854 alleles (0.00012%); highest among the groups gnomAD compares: Admixed American, 0.0017%; no homozygotes.

Submissions (2):

GeneDx
Classification: Uncertain significance. Last evaluated: 2024-07-14. Review status: criteria provided, single submitter. Criteria: GeneDx Variant Classification Process June 2021. Collection method: clinical testing. Allele origin: germline. Affected: yes.
Comment: Not observed at significant frequency in large population cohorts (gnomAD); In silico analysis supports that this missense variant has a deleterious effect on protein structure/function; Has not been previously published as pathogenic or benign to our knowledge

Labcorp Genetics (formerly Invitae), Labcorp
Classification: Uncertain significance for Emery-Dreifuss muscular dystrophy 4, autosomal dominant; Autosomal recessive ataxia, Beauce type. Last evaluated: 2022-06-27. Review status: criteria provided, single submitter. Criteria: Invitae Variant Classification Sherloc (09022015). Collection method: clinical testing. Allele origin: germline.
Comment: This sequence change replaces glutamic acid, which is acidic and polar, with glutamine, which is neutral and polar, at codon 7008 of the SYNE1 protein (p.Glu7008Gln). This variant is not present in population databases (gnomAD no frequency). This variant has not been reported in the literature in individuals affected with SYNE1-related conditions. Algorithms developed to predict the effect of missense changes on protein structure and function (SIFT, PolyPhen-2, Align-GVGD) all suggest that this variant is likely to be disruptive. In summary, the available evidence is currently insufficient to determine the role of this variant in disease. Therefore, it has been classified as a Variant of Uncertain Significance.

NM_182961.4(SYNE1):c.21235G>C (p.Glu7079Gln)

Gene: SYNE1 (spectrin repeat containing nuclear envelope protein 1; minus strand). Cytogenetic location: 6q25.2.
Variant type: single nucleotide variant.
Coding change: c.21235G>C on transcript NM_182961.4 (MANE Select); coding-DNA position 21235, G replaced by C.
Protein change: p.Glu7079Gln; replaces glutamic acid 7079 with glutamine.
Molecular consequence: missense variant.
Genome position (GRCh38, 1-based): chr6:152,225,837, C>G on the plus strand (G>C on the coding strand, the complement: SYNE1 is on the minus strand). VCF-style: chr6-152225837-C-G. GRCh37 (hg19) VCF-style: chr6-152546972-C-G.
Other names: c.21022G>C, p.Glu7008Gln (NM_033071.5); c.21022G>C (NM_033071.3); short protein forms E7008Q, E7079Q.
Identifiers: ClinVar variation 1424740 (VCV001424740.4), dbSNP rs2081454702, ClinGen allele CA366109782.